The following is an entry in ClinVar:

ClinVar aggregate classification (germline): Uncertain significance (1 of 4 stars; one submission).

Allele frequency attached by ClinVar (database versions not stated): gnomAD exomes below 0.00001; ExAC 0.00001; gnomAD 0.00004; TOPMed 0.00004.
gnomAD v4.1: 10 of 1,610,244 alleles (0.00062%); highest among the groups gnomAD compares: African/African-American, 0.013%; no homozygotes.

Submission:

Labcorp Genetics (formerly Invitae), Labcorp
Classification: Uncertain significance. Last evaluated: 2022-10-03. Review status: criteria provided, single submitter. Criteria: Invitae Variant Classification Sherloc (09022015). Collection method: clinical testing. Allele origin: germline.
Comment: In summary, the available evidence is currently insufficient to determine the role of this variant in disease. Therefore, it has been classified as a Variant of Uncertain Significance. Advanced modeling of protein sequence and biophysical properties (such as structural, functional, and spatial information, amino acid conservation, physicochemical variation, residue mobility, and thermodynamic stability) performed at Invitae indicates that this missense variant is not expected to disrupt GCKR protein function. This variant has not been reported in the literature in individuals affected with GCKR-related conditions. This variant is present in population databases (rs781586176, gnomAD 0.01%). This sequence change replaces serine, which is neutral and polar, with cysteine, which is neutral and slightly polar, at codon 395 of the GCKR protein (p.Ser395Cys).

NM_001486.4(GCKR):c.1184C>G (p.Ser395Cys)

Gene: GCKR (glucokinase regulator; plus strand). Cytogenetic location: 2p23.3.
Variant type: single nucleotide variant.
Coding change: c.1184C>G on transcript NM_001486.4 (MANE Select); coding-DNA position 1184, C replaced by G.
Protein change: p.Ser395Cys; replaces serine 395 with cysteine.
Molecular consequence: missense variant.
Genome position (GRCh38, 1-based): chr2:27,507,721, C>G. VCF-style: chr2-27507721-C-G. GRCh37 (hg19) VCF-style: chr2-27730588-C-G.
Other names: short protein forms S395C.
Identifiers: ClinVar variation 2092889 (VCV002092889.4), dbSNP rs781586176, ClinGen allele CA1581889.
Genomic context (GRCh38, chr2:27,507,721, plus strand): 5'-CCCATCTTCTTCTGCCCCAGGGTCCCCAGTTCACCTTCTCCCAGGAGGACTTCCTGACTT[C>G]CATCCTTCCCTCTCTCACGGAAATCGATACTGTGGTCTTCATTTTCACCCTGGATGGTGA-3'
Protein context (NP_001477.2, residues 385-405): FTFSQEDFLT[Ser395Cys]ILPSLTEIDT